The following is an entry in ClinVar:

ClinVar aggregate classification (germline): Likely benign. Review status: criteria provided, multiple submitters, no conflicts (2 of 4 stars). 4 submissions from 4 submitters: Likely benign (4). Last evaluated 2026-01-13.

Allele frequency attached by ClinVar (database versions not stated): gnomAD 0.00035; TOPMed 0.00071; ESP Exome Variant Server 0.00094; ExAC 0.00135.
gnomAD v4.1: 1,250 of 1,576,468 alleles (0.079%); highest among the groups gnomAD compares: Middle Eastern, 0.1%; 1 homozygote.

Submissions (4):

Labcorp Genetics (formerly Invitae), Labcorp
Classification: Likely benign. Last evaluated: 2026-01-13. Review status: criteria provided, single submitter. Criteria: Invitae Variant Classification Sherloc (09022015). Collection method: clinical testing. Allele origin: germline.

CeGaT Center for Human Genetics Tuebingen
Classification: Likely benign. Last evaluated: 2024-12-01. Review status: criteria provided, single submitter. Criteria: CeGaT Center For Human Genetics Tuebingen Variant Classification Criteria Version 2. Collection method: clinical testing. Allele origin: germline. Affected: yes. Observed: 1 variant allele.
Comment: COL18A1: BP4, BP7

Blueprint Genetics
Classification: Likely benign. Last evaluated: 2024-11-08. Review status: criteria provided, single submitter. Criteria: ACMG Guidelines, 2015. Collection method: clinical testing. Allele origin: germline.

Athena Diagnostics
Classification: Likely benign. Last evaluated: 2017-03-09. Review status: criteria provided, single submitter. Criteria: Athena Diagnostics Criteria. Collection method: clinical testing. Allele origin: germline.

NM_001379500.1(COL18A1):c.3510G>A (p.Ala1170=)

Genes: COL18A1 (collagen type XVIII alpha 1 chain; plus strand), SLC19A1 (solute carrier family 19 member 1; minus strand). Cytogenetic location: 21q22.3.
Variant type: single nucleotide variant.
Coding change: c.3510G>A on transcript NM_001379500.1 (MANE Select); coding-DNA position 3510, G replaced by A.
Protein change: p.Ala1170=; no amino-acid change (alanine 1170 retained).
Molecular consequence: synonymous variant.
Genome position (GRCh38, 1-based): chr21:45,510,078, G>A. VCF-style: chr21-45510078-G-A. GRCh37 (hg19) VCF-style: chr21-46929992-G-A.
Other names: NM_130445.2:c.3501G>A; c.4041G>A, p.Ala1347= (NM_030582.4); c.4746G>A, p.Ala1582= (NM_130444.3).
Identifiers: ClinVar variation 447128 (VCV000447128.23), dbSNP rs374326288, ClinGen allele CA10067938.